The following is an entry in ClinVar:

ClinVar aggregate classification (germline): Likely pathogenic. Review status: reviewed by expert panel (3 of 4 stars). 2 submissions from 2 submitters: Likely pathogenic (1). 1 of the submissions does not count toward it. Last evaluated 2019-08-06.

Conditions:
Hereditary thrombocytopenia and hematological cancer predisposition syndrome associated with RUNX1. Also called: Familial Platelet Disorder with Propensity to Acute Myelogenous Leukemia; Familial thrombocytopenia with propensity to acute myelogenous leukemia; PLATELET DISORDER, ASPIRIN-LIKE; RUNX1 Familial Platelet Disorder with Associated Myeloid Malignancies. Identifiers: Orphanet 71290, MedGen C1832388, MeSH C563324, MONDO:0100083, OMIM 601399.

Submissions (2):

ClinGen Myeloid Malignancy Variant Curation Expert Panel
Classification: Likely pathogenic for Familial platelet disorder with associated myeloid malignancy. Last evaluated: 2019-08-06. Review status: reviewed by expert panel. Criteria: ClinGen MyeloMalig ACMG Specifications v1. Collection method: curation. Allele origin: germline. Inheritance: Autosomal dominant inheritance.
Comment: This in-frame deletion of exon 6 of RUNX1 does disrupt the critical RUNT homology DNA-binding domain which affects a crucial functional domain (PVS1_Strong). In addition, this deletion is absent from population databases (PM2). In summary, this variant meets criteria to be classified as likely pathogenic. ACMG/AMP criteria applied, as specified by the ClinGen Myeloid Malignancy Variant Curation Expert Panel for RUNX1: PVS1_Strong, PM2, PP1, PS4_supporting.

Labcorp Genetics (formerly Invitae), Labcorp
Classification: Likely pathogenic for Hereditary thrombocytopenia and hematological cancer predisposition syndrome associated with RUNX1. Last evaluated: 2016-04-27. Review status: criteria provided, single submitter. Criteria: Invitae Variant Classification Sherloc (09022015). Collection method: clinical testing. Allele origin: germline. Not counted in ClinVar's aggregate classification.
Comment: This variant is a gross deletion of the genomic region encompassing exon 6 of the RUNX1 gene. This leads to an in-frame deletion, preserving the integrity of the reading frame. This deletion is not present in population databases. A similar deletion of RUNX1 exon 6 has been reported in the literature in an individual affected with thrombocytopenia and leukemia (PMID: 19946261). A missense substitution within this exon (p.Arg201Gln) is reported to be deleterious (PMID: 10508512, 21725049). This indicates that the Arginine residue, and therefore exon 6, is important for RUNX1 protein function. In summary, this variant is an in-frame gross deletion of exon 6 that has been reported in an affected individual and it has been shown to be important for RUNX1 protein function. For these reasons, it has been classified as Likely Pathogenic.

NM_001754.4(RUNX1):c.509-?_613+?del

Genes: RUNX1 (RUNX family transcription factor 1; minus strand), RUNX1-AS1 (RUNX1 antisense RNA 1; plus strand). Cytogenetic location: 21q22.12.
Variant type: Deletion.
Coding change: c.509-?_613+?del on transcript NM_001754.4.
Other names: c.509-?_613+?del (LRG_482t1).
Identifiers: ClinVar variation 254081 (VCV000254081.2).